The following is an entry in ClinVar:

NM_198525.3(KIF7):c.3760dup (p.Leu1254fs)

Gene: KIF7 (kinesin family member 7; minus strand). Cytogenetic location: 15q26.1.
Variant type: Duplication.
Coding change: c.3760dup on transcript NM_198525.3 (MANE Select); coding-DNA position 3760, one base duplicated (C; older notation c.3760dupC).
Protein change: p.Leu1254fs; shifts the reading frame from leucine 1254.
Molecular consequence: frameshift variant.
Genome position (GRCh38, 1-based): chr15:89,628,691, G duplicated on the plus strand (C on the coding strand, the reverse complement: KIF7 is on the minus strand); the first of 6 consecutive G bases (chr15:89,628,691-89,628,696); duplicating any one gives the same sequence. VCF-style (leftmost placement, unchanged base first): chr15-89628690-A-AG. GRCh37 (hg19) VCF-style: chr15-90171921-A-AG.
Other names: short protein forms L1254fs.
Identifiers: ClinVar variation 1932781 (VCV001932781.5), dbSNP rs747131428, ClinGen allele CA7727544.

ClinVar aggregate classification (germline): Uncertain significance (1 of 4 stars; one submission).

Conditions:
Acrocallosal syndrome (ACLS). Also called: HALLUX DUPLICATION, POSTAXIAL POLYDACTYLY, AND ABSENCE OF CORPUS CALLOSUM; Schinzel syndrome 1; Absence of corpus callosum with unusual facial appearance, mental deficiency, duplication of the halluces and polydactyly. Identifiers: Orphanet 36, MedGen C0796147, MONDO:0008708, OMIM 200990.

Submission:

Labcorp Genetics (formerly Invitae), Labcorp
Classification: Uncertain significance for Acrocallosal syndrome. Last evaluated: 2022-05-03. Review status: criteria provided, single submitter. Criteria: Invitae Variant Classification Sherloc (09022015). Collection method: clinical testing. Allele origin: germline.
Comment: In summary, the available evidence is currently insufficient to determine the role of this variant in disease. Therefore, it has been classified as a Variant of Uncertain Significance. Experimental studies and prediction algorithms are not available or were not evaluated, and the functional significance of this variant is currently unknown. This variant has not been reported in the literature in individuals affected with KIF7-related conditions. This variant is present in population databases (rs747131428, gnomAD 0.03%). This sequence change creates a premature translational stop signal (p.Leu1254Profs*3) in the KIF7 gene. While this is not anticipated to result in nonsense mediated decay, it is expected to disrupt the last 90 amino acid(s) of the KIF7 protein.